The following is an entry in ClinVar:

ClinVar aggregate classification (germline): Likely benign (1 of 4 stars; one submission).

Allele frequency attached by ClinVar (database versions not stated): gnomAD exomes 0.00002; ExAC 0.00003; gnomAD 0.00003; TOPMed 0.00004.
gnomAD v4.1: 29 of 1,613,968 alleles (0.0018%); highest among the groups gnomAD compares: African/African-American, 0.0027%; no homozygotes.

Submission:

CeGaT Center for Human Genetics Tuebingen
Classification: Likely benign. Last evaluated: 2023-04-01. Review status: criteria provided, single submitter. Criteria: CeGaT Center For Human Genetics Tuebingen Variant Classification Criteria Version 2. Collection method: clinical testing. Allele origin: germline. Affected: yes. Observed: 1 variant allele.
Comment: ALDH1A2: BP4, BP7

NM_003888.4(ALDH1A2):c.1146C>T (p.Gly382=)

Gene: ALDH1A2 (aldehyde dehydrogenase 1 family member A2; minus strand). Cytogenetic location: 15q21.3.
Variant type: single nucleotide variant.
Coding change: c.1146C>T on transcript NM_003888.4 (MANE Select); coding-DNA position 1146, C replaced by T.
Protein change: p.Gly382=; no amino-acid change (glycine 382 retained).
Molecular consequence: synonymous variant.
Genome position (GRCh38, 1-based): chr15:57,962,117, G>A on the plus strand (C>T on the coding strand, the complement: ALDH1A2 is on the minus strand). VCF-style: chr15-57962117-G-A. GRCh37 (hg19) VCF-style: chr15-58254315-G-A.
Other names: c.1083C>T, p.Gly361= (NM_001206897.2); c.1032C>T, p.Gly344= (NM_170696.3); c.858C>T, p.Gly286= (NM_170697.3).
Identifiers: ClinVar variation 2645378 (VCV002645378.24), dbSNP rs770783533, ClinGen allele CA7583856.